The following is an entry in ClinVar:

NM_015047.3(EMC1):c.2748T>G (p.Val916=)

Genes: EMC1 (ER membrane protein complex subunit 1; minus strand), EMC1-AS1 (EMC1 antisense RNA 1; plus strand). Cytogenetic location: 1p36.13.
Variant type: single nucleotide variant.
Coding change: c.2748T>G on transcript NM_015047.3 (MANE Select); coding-DNA position 2748, T replaced by G.
Protein change: p.Val916=; no amino-acid change (valine 916 retained).
Molecular consequence: synonymous variant.
Genome position (GRCh38, 1-based): chr1:19,219,623, A>C on the plus strand (T>G on the coding strand, the complement: EMC1 is on the minus strand). VCF-style: chr1-19219623-A-C. GRCh37 (hg19) VCF-style: chr1-19546117-A-C.
Other names: c.2745T>G, p.Val915= (NM_001271427.2, NM_001271428.2); c.2682T>G, p.Val894= (NM_001271429.2); c.2757T>G, p.Val919= (NM_001375820.1); c.2754T>G, p.Val918= (NM_001375821.1).
Identifiers: ClinVar variation 1897372 (VCV001897372.30), dbSNP rs144354996, ClinGen allele CA652160.
Genomic context (GRCh38, chr1:19,219,623, plus strand): 5'-ACTCACCAAACAAGTGGACTCCAGACCCGAGGGAGCTGTGTAGATACCTCGCATTCGAGA[A>C]ACTGTCTGGTTATAGTTGATGAATCGCTCTGCGTGTATCTGTACATCTGGAGAATACGGG-3'
Protein context (NP_055862.1, residues 906-926): AERFINYNQT[Val916=]SRMRGIYTAP

ClinVar aggregate classification (germline): Likely benign. Review status: criteria provided, multiple submitters, no conflicts (2 of 4 stars). 3 submissions from 3 submitters: Likely benign (3). Last evaluated 2024-05-22.

Allele frequency attached by ClinVar (database versions not stated): TOPMed below 0.00001; ExAC 0.00002; gnomAD exomes 0.00003; ESP Exome Variant Server 0.00008.

Submissions (3):

Labcorp Genetics (formerly Invitae), Labcorp
Classification: Likely benign. Last evaluated: 2024-05-22. Review status: criteria provided, single submitter. Criteria: Invitae Variant Classification Sherloc (09022015). Collection method: clinical testing. Allele origin: germline.

CeGaT Center for Human Genetics Tuebingen
Classification: Likely benign. Last evaluated: 2022-09-01. Review status: criteria provided, single submitter. Criteria: CeGaT Center For Human Genetics Tuebingen Variant Classification Criteria Version 2. Collection method: clinical testing. Allele origin: germline. Affected: yes. Observed: 1 variant allele.
Comment: EMC1: BP4, BP7

Blueprint Genetics
Classification: Likely benign. Last evaluated: 2021-06-09. Review status: criteria provided, single submitter. Criteria: ACMG Guidelines, 2015. Collection method: clinical testing. Allele origin: germline.